The following is an entry in ClinVar:

ClinVar aggregate classification (germline): Benign. Review status: reviewed by expert panel (3 of 4 stars). 9 submissions from 8 submitters: Benign (1). 8 of the submissions do not count toward it. Last evaluated 2019-10-02.

Conditions:
Autosomal recessive nonsyndromic hearing loss 4 (DFNB4). Also called: FOXI1-Related Pendred Syndrome; KCNJ10-Related Pendred Syndrome; Deafness, autosomal recessive 4; DEAFNESS, AUTOSOMAL RECESSIVE 4, WITH ENLARGED VESTIBULAR AQUEDUCT, DIGENIC; NEUROSENSORY NONSYNDROMIC RECESSIVE DEAFNESS 4; Nonsyndromic enlarged vestibular aqueduct (NSEVA). Identifiers: Orphanet 90636, MedGen C3538946, MONDO:0010933, OMIM 600791.
Pendred syndrome (PDS). Also called: DEAFNESS WITH GOITER; GOITER-DEAFNESS SYNDROME; HYPOTHYROIDISM, CONGENITAL, DUE TO DYSHORMONOGENESIS, 2B; THYROID DYSHORMONOGENESIS 2B; THYROID HORMONOGENESIS, GENETIC DEFECT IN, 2B; Pendred's syndrome. Identifiers: Orphanet 705, MedGen C0271829, MONDO:0010134, OMIM 274600.

Allele frequency attached by ClinVar (database versions not stated): 1000 Genomes Project 0.00100; ESP Exome Variant Server 0.00138; 1000 Genomes Project 30x 0.00141; gnomAD 0.00178; TOPMed 0.00211.
gnomAD v4.1: 531 of 1,613,916 alleles (0.033%); highest among the groups gnomAD compares: African/African-American, 0.64%; 2 homozygotes.

Submissions (9):

ClinGen Hearing Loss Variant Curation Expert Panel
Classification: Benign for Pendred syndrome. Last evaluated: 2019-10-02. Review status: reviewed by expert panel. Criteria: ClinGen HL ACMG Specifications v1. Collection method: curation. Allele origin: germline. Inheritance: Autosomal recessive inheritance.
Comment: The filtering allele frequency of the c.416-7T>C variant in SLC29A4 is 0.59% (169/24960) in African chromosomes in gnomAD (BA1). Additionally, computational prediction tools and conservation analysis suggest that the c.416-7T>C variant may not impact the protein (BP4, BP7). In summary, this variant meets criteria to be classified as benign for autosomal recessive Pendred syndrome. ACMG/AMP criteria applied, as specified by the Hearing Loss Expert Panel: BA1, BP7, BP4.

Labcorp Genetics (formerly Invitae), Labcorp
Classification: Benign. Last evaluated: 2026-01-19. Review status: criteria provided, single submitter. Criteria: Invitae Variant Classification Sherloc (09022015). Collection method: clinical testing. Allele origin: germline. Not counted in ClinVar's aggregate classification.

Blueprint Genetics
Classification: Likely benign. Last evaluated: 2024-11-06. Review status: criteria provided, single submitter. Criteria: ACMG Guidelines, 2015. Collection method: clinical testing. Allele origin: germline. Not counted in ClinVar's aggregate classification.

Fulgent Genetics
Classification: Benign for Pendred syndrome; Autosomal recessive nonsyndromic hearing loss 4. Last evaluated: 2021-07-30. Review status: criteria provided, single submitter. Criteria: ACMG Guidelines, 2015. Collection method: clinical testing. Allele origin: unknown. Not counted in ClinVar's aggregate classification.

GeneDx
Classification: Likely benign. Last evaluated: 2021-04-06. Review status: criteria provided, single submitter. Criteria: GeneDx Variant Classification Process June 2021. Collection method: clinical testing. Allele origin: germline. Affected: yes. Not counted in ClinVar's aggregate classification.
Comment: This variant is associated with the following publications: (PMID: 16570074)

Illumina Laboratory Services, Illumina
Classification: Uncertain significance for Autosomal recessive nonsyndromic hearing loss 4. Last evaluated: 2018-01-12. Review status: criteria provided, single submitter. Criteria: ICSL Variant Classification Criteria 13 December 2019. Collection method: clinical testing. Allele origin: germline. Not counted in ClinVar's aggregate classification.

Illumina Laboratory Services, Illumina
Classification: Uncertain significance for Pendred syndrome. Last evaluated: 2018-01-12. Review status: criteria provided, single submitter. Criteria: ICSL Variant Classification Criteria 13 December 2019. Collection method: clinical testing. Allele origin: germline. Not counted in ClinVar's aggregate classification.

Eurofins Ntd Llc (ga)
Classification: Likely benign. Last evaluated: 2017-04-27. Review status: criteria provided, single submitter. Criteria: EGL Classification Definitions 2015. Collection method: clinical testing. Allele origin: germline. Observed: 3 variant alleles, 3 heterozygotes. Not counted in ClinVar's aggregate classification.

Laboratory for Molecular Medicine, Mass General Brigham Personalized Medicine
Classification: Uncertain significance. Last evaluated: 2008-04-18. Review status: no assertion criteria provided. Collection method: clinical testing. Allele origin: germline. Observed: 1 variant allele. Not counted in ClinVar's aggregate classification.

NM_000441.2(SLC26A4):c.416-7T>C

Gene: SLC26A4 (solute carrier family 26 member 4; plus strand). Cytogenetic location: 7q22.3.
Variant type: single nucleotide variant.
Coding change: c.416-7T>C on transcript NM_000441.2 (MANE Select); 7 bases into the intron before coding-DNA position 416, T replaced by C.
Molecular consequence: intron variant.
Genome position (GRCh38, 1-based): chr7:107,674,157, T>C. VCF-style: chr7-107674157-T-C. GRCh37 (hg19) VCF-style: chr7-107314602-T-C.
Identifiers: ClinVar variation 43558 (VCV000043558.27), dbSNP rs111033387, ClinGen allele CA132729.
Genomic context (GRCh38, chr7:107,674,157, plus strand): 5'-CCTATGCAGACACATTGAACATTTGTGATTAATAACTGATTAATTGTTAGAGACTTTTTT[T>C]CCCCAGGACCTTTTCCAGTGGTGAGTTTAATGGTGGGATCTGTTGTTCTGAGCATGGCCC-3'